The following is an entry in ClinVar:

NM_015874.6(RBPJ):c.258G>A (p.Pro86=)

Gene: RBPJ (recombination signal binding protein for immunoglobulin kappa J region; plus strand). Cytogenetic location: 4p15.2.
Variant type: single nucleotide variant.
Coding change: c.258G>A on transcript NM_015874.6 (MANE Select); coding-DNA position 258, G replaced by A.
Protein change: p.Pro86=; no amino-acid change (proline 86 retained).
Molecular consequence: synonymous variant.
Genome position (GRCh38, 1-based): chr4:26,415,577, G>A. VCF-style: chr4-26415577-G-A. GRCh37 (hg19) VCF-style: chr4-26417199-G-A.
Other names: c.192G>A, p.Pro64= (NM_001363577.2, NM_203283.5); c.297G>A, p.Pro99= (NM_001374400.1, NM_001379408.1, NM_005349.4); c.255G>A, p.Pro85= (NM_001374401.1, NM_001374402.1, NM_001374403.1 and 3 more transcripts); c.252G>A, p.Pro84= (NM_001379409.1).
Identifiers: ClinVar variation 1558097 (VCV001558097.10), dbSNP rs1064366, ClinGen allele CA2881322.
Genomic context (GRCh38, chr4:26,415,577, plus strand): 5'-ATGGAAGAAAAAAAAAGAACAAATGGAACGCGATGGTTGTTCTGAACAAGAGTCTCAACC[G>A]TGTGCATTTATTGGGATAGGAAATAGTGACCAAGAAATGCAGCAGCTAAACTTGGAAGGA-3'
Protein context (NP_056958.3, residues 76-96): RDGCSEQESQ[Pro86=]CAFIGIGNSD

ClinVar aggregate classification (germline): Likely benign. Review status: criteria provided, multiple submitters, no conflicts (2 of 4 stars). 4 submissions from 4 submitters: Likely benign (4). Last evaluated 2026-09-01.

Allele frequency attached by ClinVar (database versions not stated): ESP Exome Variant Server 0.00015; 1000 Genomes Project 30x 0.00016; TOPMed 0.00017; gnomAD 0.00023.
gnomAD v4.1: 360 of 1,611,978 alleles (0.022%); highest among the groups gnomAD compares: South Asian, 0.053%; 1 homozygote.

Submissions (4):

CeGaT Center for Human Genetics Tuebingen
Classification: Likely benign. Last evaluated: 2026-09-01. Review status: criteria provided, single submitter. Criteria: CeGaT Center For Human Genetics Tuebingen Variant Classification Criteria Version 2. Collection method: clinical testing. Allele origin: germline. Affected: yes. Observed: 1 variant allele.
Comment: RBPJ: BP4, BP7

Labcorp Genetics (formerly Invitae), Labcorp
Classification: Likely benign. Last evaluated: 2026-01-22. Review status: criteria provided, single submitter. Criteria: Invitae Variant Classification Sherloc (09022015). Collection method: clinical testing. Allele origin: germline.

Blueprint Genetics
Classification: Likely benign. Last evaluated: 2024-10-01. Review status: criteria provided, single submitter. Criteria: ACMG Guidelines, 2015. Collection method: clinical testing. Allele origin: germline.

Breakthrough Genomics
Classification: Likely benign. Review status: criteria provided, single submitter. Criteria: ACMG Guidelines, 2015. Collection method: not provided. Allele origin: germline. Inheritance: Autosomal dominant inheritance. Affected: yes.